The following is an entry in ClinVar:

NM_000255.4(MMUT):c.2162T>C (p.Val721Ala)

Gene: MMUT (methylmalonyl-CoA mutase; minus strand). Cytogenetic location: 6p12.3.
Variant type: single nucleotide variant.
Coding change: c.2162T>C on transcript NM_000255.4 (MANE Select); coding-DNA position 2162, T replaced by C.
Protein change: p.Val721Ala; replaces valine 721 with alanine.
Molecular consequence: missense variant.
Genome position (GRCh38, 1-based): chr6:49,431,819, A>G on the plus strand (T>C on the coding strand, the complement: MMUT is on the minus strand). VCF-style: chr6-49431819-A-G. GRCh37 (hg19) VCF-style: chr6-49399532-A-G.
Other names: short protein forms V721A.
Identifiers: ClinVar variation 2150080 (VCV002150080.1), dbSNP rs748363752, ClinGen allele CA3846632.

ClinVar aggregate classification (germline): Uncertain significance (1 of 4 stars; one submission).

Allele frequency attached by ClinVar (database versions not stated): TOPMed below 0.00001; gnomAD 0.00001; ExAC 0.00002; gnomAD exomes 0.00002.
gnomAD v4.1: 24 of 1,613,750 alleles (0.0015%); highest among the groups gnomAD compares: Middle Eastern, 0.016%; no homozygotes.

Submission:

Labcorp Genetics (formerly Invitae), Labcorp
Classification: Uncertain significance. Last evaluated: 2021-12-02. Review status: criteria provided, single submitter. Criteria: Invitae Variant Classification Sherloc (09022015). Collection method: clinical testing. Allele origin: germline.
Comment: This sequence change replaces valine, which is neutral and non-polar, with alanine, which is neutral and non-polar, at codon 721 of the MUT protein (p.Val721Ala). This variant is present in population databases (rs748363752, gnomAD 0.004%). This variant has not been reported in the literature in individuals affected with MUT-related conditions. Algorithms developed to predict the effect of missense changes on protein structure and function (SIFT, PolyPhen-2, Align-GVGD) all suggest that this variant is likely to be disruptive. In summary, the available evidence is currently insufficient to determine the role of this variant in disease. Therefore, it has been classified as a Variant of Uncertain Significance.